The following is an entry in ClinVar:

NM_147127.5(EVC2):c.3356G>A (p.Ser1119Asn)

Gene: EVC2 (EvC ciliary complex subunit 2; minus strand). Cytogenetic location: 4p16.2.
Variant type: single nucleotide variant.
Coding change: c.3356G>A on transcript NM_147127.5 (MANE Select); coding-DNA position 3356, G replaced by A.
Protein change: p.Ser1119Asn; replaces serine 1119 with asparagine.
Molecular consequence: missense variant.
Genome position (GRCh38, 1-based): chr4:5,574,689, C>T on the plus strand (G>A on the coding strand, the complement: EVC2 is on the minus strand). VCF-style: chr4-5574689-C-T. GRCh37 (hg19) VCF-style: chr4-5576416-C-T.
Other names: c.3116G>A, p.Ser1039Asn (NM_001166136.2); short protein forms S1039N, S1119N.
Identifiers: ClinVar variation 3752619 (VCV003752619.2).

ClinVar aggregate classification (germline): Uncertain significance (1 of 4 stars; one submission).

Conditions:
Curry-Hall syndrome (WAD). Also called: WEYERS ACRODENTAL DYSOSTOSIS. Identifiers: Orphanet 952, MedGen C0457013, MONDO:0008673, OMIM 193530.
Ellis-van Creveld syndrome (EVC). Also called: EVC-Related Ellis-van Creveld Syndrome; EVC2-Related Ellis-van Creveld Syndrome; MESOECTODERMAL DYSPLASIA; Chondroectodermal dysplasia. Identifiers: Orphanet 289, MedGen C0013903, MONDO:0009162, OMIM 225500.

gnomAD v4.1: 1 of 1,614,158 alleles (0.000062%); highest among the groups gnomAD compares: South Asian, 0.0011%; no homozygotes.

Submission:

Labcorp Genetics (formerly Invitae), Labcorp
Classification: Uncertain significance for Curry-Hall syndrome; Ellis-van Creveld syndrome. Last evaluated: 2025-01-07. Review status: criteria provided, single submitter. Criteria: Invitae Variant Classification Sherloc (09022015). Collection method: clinical testing. Allele origin: germline.
Comment: This sequence change replaces serine, which is neutral and polar, with asparagine, which is neutral and polar, at codon 1119 of the EVC2 protein (p.Ser1119Asn). This variant is present in population databases (no rsID available, gnomAD 0.003%). This variant has not been reported in the literature in individuals affected with EVC2-related conditions. An algorithm developed to predict the effect of missense changes on protein structure and function outputs the following: PolyPhen-2: "Possibly Damaging". The asparagine amino acid residue is found in multiple mammalian species, which suggests that this missense change does not adversely affect protein function. In summary, the available evidence is currently insufficient to determine the role of this variant in disease. Therefore, it has been classified as a Variant of Uncertain Significance.